The following is an entry in ClinVar:

ClinVar aggregate classification (germline): Pathogenic (1 of 4 stars; one submission).

Conditions:
Neurofibromatosis, type 1 (NF1). Also called: VON RECKLINGHAUSEN DISEASE; Peripheral type neurofibromatosis; NEUROFIBROMATOSIS, TYPE I, SOMATIC; Neurofibromatosis, type I. Identifiers: Orphanet 636, MedGen C0027831, MONDO:0018975, OMIM 162200. Disease mechanism: loss of function.

Submission:

Department of Genetics, Sultan Qaboos University Hospital
Classification: Pathogenic for Neurofibromatosis, type 1. Last evaluated: 2026-04-01. Review status: criteria provided, single submitter. Criteria: ACMG Guidelines, 2015. Collection method: clinical testing. Allele origin: germline. Affected: yes. Observed: 1 variant allele.
Comment: PVS1,PM2

NM_001042492.3(NF1):c.559del (p.Cys187fs)

Gene: NF1 (neurofibromin 1; plus strand). Cytogenetic location: 17q11.2.
Variant type: Deletion.
Coding change: c.559del on transcript NM_001042492.3 (MANE Select); coding-DNA position 559, one base deleted (T; older notation c.559delT).
Protein change: p.Cys187fs; shifts the reading frame from cysteine 187.
Molecular consequence: frameshift variant.
Genome position (GRCh38, 1-based): chr17:31,169,970, T deleted; the last of 2 consecutive T bases (chr17:31,169,969-31,169,970); deleting either gives the same sequence. VCF-style (leftmost placement, unchanged base first): chr17-31169968-AT-A. GRCh37 (hg19) VCF-style: chr17-29496986-AT-A.
Other names: c.559del, p.Cys187fs (NM_000267.4, NM_001128147.3); short protein forms C187fs.
Identifiers: ClinVar variation 4823927 (VCV004823927.1).